The following is an entry in ClinVar:

ClinVar aggregate classification (germline): Conflicting classifications of pathogenicity. Review status: criteria provided, conflicting classifications (1 of 4 stars). 11 submissions from 11 submitters: Uncertain significance (8); Likely benign (2). 1 of the submissions does not count toward it. Last evaluated 2026-01-28.

Conditions:
Hereditary cancer-predisposing syndrome. Also called: Hereditary neoplastic syndrome; Hereditary Cancer Syndrome; Neoplastic Syndromes, Hereditary; Tumor predisposition. Identifiers: Orphanet 140162, MedGen C0027672, MeSH D009386, MONDO:0015356.
Familial cancer of breast. Also called: hereditary breast carcinoma; Hereditary breast cancer; BREAST CANCER, FAMILIAL. Identifiers: Orphanet 227535, MedGen C0346153, MONDO:0016419, OMIM 114480. Disease mechanism: loss of function.
Ataxia-telangiectasia syndrome (AT). Also called: Ataxia-telangiectasia, complementation group D; Cerebello-oculocutaneous telangiectasia; Immunodeficiency with ataxia telangiectasia; ATAXIA-TELANGIECTASIA, COMPLEMENTATION GROUP A; ATAXIA-TELANGIECTASIA, FRESNO VARIANT; LOUIS-BAR SYNDROME. Identifiers: Orphanet 100, MedGen C0004135, MONDO:0008840, OMIM 208900.

Allele frequency attached by ClinVar (database versions not stated): gnomAD 0.00001; gnomAD exomes 0.00002 and 0.00004; TOPMed 0.00002; ExAC 0.00005.
gnomAD v4.1: 24 of 1,612,840 alleles (0.0015%); highest among the groups gnomAD compares: South Asian, 0.015%; 1 homozygote.

Submissions (11):

Labcorp Genetics (formerly Invitae), Labcorp
Classification: Likely benign for Ataxia-telangiectasia syndrome. Last evaluated: 2026-01-28. Review status: criteria provided, single submitter. Criteria: Invitae Variant Classification Sherloc (09022015). Collection method: clinical testing. Allele origin: germline.

Women's Health and Genetics/Laboratory Corporation of America, LabCorp
Classification: Uncertain significance. Last evaluated: 2025-11-04. Review status: criteria provided, single submitter. Criteria: LabCorp Variant Classification Summary - May 2015. Collection method: clinical testing. Allele origin: germline.
Comment: Variant summary: ATM c.5633C>T (p.Ser1878Leu) results in a non-conservative amino acid change in the encoded protein sequence. Algorithms developed to predict the effect of missense changes on protein structure and function are either unavailable or do not agree on the potential impact of this missense change. The variant allele was found at a frequency of 3.6e-05 in 248308 control chromosomes in the gnomAD database, including 1 homozygotes. The available data on variant occurrences in the general population are insufficient to allow any conclusion about variant significance. c.5633C>T has been reported in the literature in individuals affected with breast cancer and in unaffected controls (example, Tiao_2017, Tavtigian_2009, Nguyen-Dumont_2009, Dorling_2021). These report(s) do not provide unequivocal conclusions about association of the variant with Breast Cancer. To our knowledge, no experimental evidence demonstrating an impact on protein function has been reported. The following publications have been ascertained in the context of this evaluation (PMID: 19347964, 19781682, 28652578). ClinVar contains an entry for this variant (Variation ID: 426534). Based on the evidence outlined above, the variant was classified as VUS-possibly benign.

Ambry Genetics
Classification: Uncertain significance for Hereditary cancer-predisposing syndrome. Last evaluated: 2025-01-28. Review status: criteria provided, single submitter. Criteria: Ambry Variant Classification Scheme 2023. Collection method: clinical testing. Allele origin: germline.
Comment: The p.S1878L variant (also known as c.5633C>T), located in coding exon 36 of the ATM gene, results from a C to T substitution at nucleotide position 5633. The serine at codon 1878 is replaced by leucine, an amino acid with dissimilar properties. This alteration was identified in an individual diagnosed with breast cancer (Mittal A et al. Ecancermedicalscience, 2022 Aug;16:1434). This amino acid position is well conserved in available vertebrate species. In addition, this alteration is predicted to be tolerated by in silico analysis. Based on the available evidence, the clinical significance of this variant remains unclear.

GeneDx
Classification: Uncertain significance. Last evaluated: 2024-12-16. Review status: criteria provided, single submitter. Criteria: GeneDx Variant Classification Process June 2021. Collection method: clinical testing. Allele origin: germline. Affected: yes.
Comment: In silico analysis indicates that this missense variant does not alter protein structure/function; Observed in individuals with a personal and/or family history of breast cancer, as well as in unaffected controls (PMID: 19347964, 19781682, 28652578); This variant is associated with the following publications: (PMID: 28652578, 19347964, 19781682)

Color Diagnostics, LLC DBA Color Health
Classification: Uncertain significance for Hereditary cancer-predisposing syndrome. Last evaluated: 2024-09-09. Review status: criteria provided, single submitter. Criteria: ACMG Guidelines, 2015. Collection method: clinical testing. Allele origin: germline.
Comment: This missense variant replaces serine with leucine at codon 1878 of the ATM protein. Computational prediction suggests that this variant may not impact protein structure and function. To our knowledge, functional studies have not been reported for this variant. This variant has been reported in an individual affected with breast cancer (PMID: 36200007). This variant has been identified in 9/248308 chromosomes in the general population by the Genome Aggregation Database (gnomAD). The available evidence is insufficient to determine the role of this variant in disease conclusively. Therefore, this variant is classified as a Variant of Uncertain Significance.

Myriad Genetics, Inc.
Classification: Likely benign for Familial cancer of breast. Last evaluated: 2023-06-02. Review status: criteria provided, single submitter. Criteria: Myriad Autosomal Dominant, Autosomal Recessive and X-Linked Classification Criteria (2023). Collection method: clinical testing. Allele origin: unknown.
Comment: This variant is considered likely benign. This variant is strongly associated with less severe personal and family histories of cancer, typical for individuals without pathogenic variants in this gene [PMID: 25085752].

Department of Pathology and Laboratory Medicine, Sinai Health System
Classification: Uncertain significance for Familial cancer of breast. Last evaluated: 2022-02-15. Review status: criteria provided, single submitter. Criteria: ACMG Guidelines, 2015. Collection method: clinical testing. Allele origin: germline. Affected: yes.

Victorian Clinical Genetics Services, Murdoch Childrens Research Institute
Classification: Uncertain significance for Ataxia-telangiectasia syndrome. Last evaluated: 2021-05-06. Review status: criteria provided, single submitter. Criteria: ACMG Guidelines, 2015. Collection method: clinical testing. Allele origin: germline. Inheritance: Autosomal recessive inheritance.
Comment: Based on the classification scheme VCGS_Germline_v1.3.4, this variant is classified as VUS-3C. Following criteria are met: 0102 - Loss of function is a known mechanism of disease in this gene and is associated with Ataxia-telangiectasia (MIM#208900). (I) 0106 - This gene is associated with autosomal recessive disease. (I) 0115 - Variants in this gene are known to have variable expressivity. Variable age of onset and rate of disease progression have been reported for affected individuals within the same family (PMID: 20301790, 27884168). (I) 0200 - Variant is predicted to result in a missense amino acid change from serine to leucine. (I) 0251 - This variant is heterozygous. (I) 0304 - Variant is present in gnomAD (v2) <0.01 for a recessive condition (7 heterozygotes, 1 homozygote). (SP) 0504 - Same amino acid change has been observed in placental mammals. (SB) 0604 - Variant is not located in an established domain, motif, hotspot or informative constraint region. (I) 0705 - No comparable missense variants have previous evidence for pathogenicity in autosomal recessive Ataxia-telangiectasia. (I) 0809 - Previous evidence of pathogenicity for this variant is inconclusive. This variant has been reported as VUS multiple times and once as likely benign (ClinVar). (I) 0905 - No published segregation evidence has been identified for this variant. (I) 1007 - No published functional evidence has been identified for this variant. (I) 1208 - Inheritance information for this variant is not currently available in this individual. (I) Legend: (SP) - Supporting pathogenic, (I) - Information, (SB) - Supporting benign

Athena Diagnostics
Classification: Uncertain significance. Last evaluated: 2021-01-25. Review status: criteria provided, single submitter. Criteria: Athena Diagnostics criteria. Collection method: clinical testing. Allele origin: unknown.

Quest Diagnostics Nichols Institute San Juan Capistrano
Classification: Uncertain significance. Last evaluated: 2021-01-25. Review status: criteria provided, single submitter. Criteria: Quest Diagnostics criteria. Collection method: clinical testing. Allele origin: unknown.
Comment: In the published literature, this variant has been reported in an individual with chronic lymphocytic leukemia (PMID: 28652578 (2017)). This variant has also been reported in unaffected cancer free individuals (PMID: 19781682 (2009), 33471991 (2021), see also LOVD). The frequency of this variant in the general population, 0.00016 (5/30566 chromosomes (Genome Aggregation Database)), is uninformative in the assessment of its pathogenicity. Analysis of this variant using bioinformatics tools for the prediction of the effect of amino acid changes on protein structure and function yielded predictions that this variant is benign. Based on the available information, we are unable to determine the clinical significance of this variant.

Natera, Inc.
Classification: Uncertain significance for Ataxia-telangiectasia. Last evaluated: 2020-09-16. Review status: no assertion criteria provided. Collection method: clinical testing. Allele origin: germline. Not counted in ClinVar's aggregate classification.

Literature cited by the submitters: PubMed 19347964 (cited by 4 submitters); PubMed 19781682 (cited by 4 submitters); PubMed 28652578 (cited by 4 submitters); PubMed 36200007 (cited by Ambry Genetics and Color Diagnostics, LLC DBA Color Health); PubMed 25085752 (cited by Myriad Genetics, Inc.); PubMed 20301790 (cited by Victorian Clinical Genetics Services, Murdoch Childrens Research Institute); PubMed 27884168 (cited by Victorian Clinical Genetics Services, Murdoch Childrens Research Institute); PubMed 33471991 (cited by Quest Diagnostics Nichols Institute San Juan Capistrano).

NM_000051.4(ATM):c.5633C>T (p.Ser1878Leu)

Gene: ATM (ATM serine/threonine kinase; plus strand). Cytogenetic location: 11q22.3.
Variant type: single nucleotide variant.
Coding change: c.5633C>T on transcript NM_000051.4 (MANE Select); coding-DNA position 5633, C replaced by T.
Protein change: p.Ser1878Leu; replaces serine 1878 with leucine.
Molecular consequence: missense variant.
Genome position (GRCh38, 1-based): chr11:108,304,811, C>T. VCF-style: chr11-108304811-C-T. GRCh37 (hg19) VCF-style: chr11-108175538-C-T.
Other names: c.5633C>T, p.Ser1878Leu (NM_001351834.2); short protein forms S1878L.
Identifiers: ClinVar variation 426534 (VCV000426534.38), dbSNP rs758908522, ClinGen allele CA6265741.